The following is an entry in ClinVar:

NM_001042492.3(NF1):c.888+2T>C

Gene: NF1 (neurofibromin 1; plus strand). Cytogenetic location: 17q11.2.
Variant type: single nucleotide variant.
Coding change: c.888+2T>C on transcript NM_001042492.3 (MANE Select); the canonical splice donor site of the intron after coding-DNA position 888, T replaced by C.
Molecular consequence: splice donor variant.
Genome position (GRCh38, 1-based): chr17:31,182,667, T>C. VCF-style: chr17-31182667-T-C. GRCh37 (hg19) VCF-style: chr17-29509685-T-C.
Other names: c.888+2T>C (NM_000267.4, NM_001128147.3).
Identifiers: ClinVar variation 1067639 (VCV001067639.7), dbSNP rs2066160116, ClinGen allele CA398991327.
Genomic context (GRCh38, chr17:31,182,667, plus strand): 5'-GTCCAGAAATAATCCAGGATATATCCAAAGACGTGGTTGATGAAAACAACATGAATAAGG[T>C]AAGGAGGGCAAAATTATTTCCATTATATCTAGATGTGAAGCAGTTTATTTTACTCAAGGT-3'

ClinVar aggregate classification (germline): Conflicting classifications of pathogenicity. Review status: criteria provided, conflicting classifications (1 of 4 stars). 2 submissions from 2 submitters: Pathogenic (1); Uncertain significance (1). Last evaluated 2022-10-28.

Conditions:
Neurofibromatosis, type 1 (NF1). Also called: VON RECKLINGHAUSEN DISEASE; Peripheral type neurofibromatosis; NEUROFIBROMATOSIS, TYPE I, SOMATIC; Neurofibromatosis, type I. Identifiers: Orphanet 636, MedGen C0027831, MONDO:0018975, OMIM 162200. Disease mechanism: loss of function.
Hereditary cancer-predisposing syndrome. Also called: Tumor predisposition; Neoplastic Syndromes, Hereditary; Hereditary neoplastic syndrome; Hereditary Cancer Syndrome. Identifiers: Orphanet 140162, MedGen C0027672, MeSH D009386, MONDO:0015356.
Cardiovascular phenotype. Identifiers: MedGen CN230736.

Submissions (2):

Labcorp Genetics (formerly Invitae), Labcorp
Classification: Pathogenic for Neurofibromatosis, type 1. Last evaluated: 2022-10-28. Review status: criteria provided, single submitter. Criteria: Invitae Variant Classification Sherloc (09022015). Collection method: clinical testing. Allele origin: germline.
Comment: For these reasons, this variant has been classified as Pathogenic. Algorithms developed to predict the effect of sequence changes on RNA splicing suggest that this variant may create or strengthen a splice site. ClinVar contains an entry for this variant (Variation ID: 1067639). Disruption of this splice site has been observed in individual(s) with neurofibromatosis type 1 (PMID: 10712197). This variant is not present in population databases (gnomAD no frequency). This sequence change affects a donor splice site in intron 8 of the NF1 gene. It is expected to disrupt RNA splicing. Variants that disrupt the donor or acceptor splice site typically lead to a loss of protein function (PMID: 16199547), and loss-of-function variants in NF1 are known to be pathogenic (PMID: 10712197, 23913538).

Ambry Genetics
Classification: Uncertain significance for Cardiovascular phenotype; Hereditary cancer-predisposing syndrome. Last evaluated: 2020-10-07. Review status: criteria provided, single submitter. Criteria: Ambry Variant Classification Scheme 2023. Collection method: clinical testing. Allele origin: germline.
Comment: The c.888+2T>C intronic variant results from a T to C substitution two nucleotides after coding exon 8 in the NF1 gene. This nucleotide position is highly conserved in available vertebrate species. Using two different splice site prediction tools, this alteration is predicted by BDGP to abolish the native splice donor site, but is predicted to weaken (but not abolish) the efficiency of the native splice donor site by ESEfinder. In addition, alterations that disrupt the canonical splice site are expected to cause aberrant splicing, resulting in an abnormal protein or a transcript that is subject to nonsense-mediated mRNA decay. However, RNA evidence is insufficient at this time in the set of samples tested (Ambry internal data). Since supporting evidence is conflicting at this time, the clinical significance of this alteration remains unclear.

Literature cited by the submitters: PubMed 10712197 (cited by Labcorp Genetics (formerly Invitae), Labcorp); PubMed 16199547 (cited by Labcorp Genetics (formerly Invitae), Labcorp); PubMed 23913538 (cited by Labcorp Genetics (formerly Invitae), Labcorp).